The following is an entry in ClinVar:

NM_020433.5(JPH2):c.385T>G (p.Tyr129Asp)

Gene: JPH2 (junctophilin 2; minus strand). Cytogenetic location: 20q13.12.
Variant type: single nucleotide variant.
Coding change: c.385T>G on transcript NM_020433.5 (MANE Select); coding-DNA position 385, T replaced by G.
Protein change: p.Tyr129Asp; replaces tyrosine 129 with aspartic acid.
Molecular consequence: missense variant.
Genome position (GRCh38, 1-based): chr20:44,160,402, A>C on the plus strand (T>G on the coding strand, the complement: JPH2 is on the minus strand). VCF-style: chr20-44160402-A-C. GRCh37 (hg19) VCF-style: chr20-42789042-A-C.
Other names: p.Y129D:TAC>GAC; short protein forms Y129D.
Identifiers: ClinVar variation 201794 (VCV000201794.13), dbSNP rs777856415, ClinGen allele CA335214.
Genomic context (GRCh38, chr20:44,160,402, plus strand): 5'-AGGGCACGCTCTGGCGTACTCCGTAGCCATGGCGCATGCCGTTGGTGAACTGGCCTTGGT[A>C]CGTCCCTGCGGGCGAGGAGAGGGCGCGTCAGTAGGCGGCACGACGGGTCCCCGCGTGTGC-3'
Protein context (NP_065166.2, residues 119-139): GTETYADGGT[Tyr129Asp]QGQFTNGMRH

ClinVar aggregate classification (germline): Uncertain significance. Review status: criteria provided, multiple submitters, no conflicts (2 of 4 stars). 2 submissions from 2 submitters: Uncertain significance (2). Last evaluated 2025-09-27.

Conditions:
Hypertrophic cardiomyopathy. Also called: HYPERTROPHIC MYOCARDIOPATHY. Identifiers: Orphanet 217569, MedGen C0007194, MeSH D002312, MONDO:0005045, HP:0001639.

Allele frequency attached by ClinVar (database versions not stated): gnomAD exomes 0.00001 and below 0.00001; gnomAD 0.00001; ExAC 0.00001.
gnomAD v4.1: 15 of 1,609,006 alleles (0.00093%); highest among the groups gnomAD compares: Non-Finnish European, 0.0013%; no homozygotes.

Submissions (2):

Labcorp Genetics (formerly Invitae), Labcorp
Classification: Uncertain significance for Hypertrophic cardiomyopathy. Last evaluated: 2025-09-27. Review status: criteria provided, single submitter. Criteria: Invitae Variant Classification Sherloc (09022015). Collection method: clinical testing. Allele origin: germline.
Comment: This sequence change replaces tyrosine, which is neutral and polar, with aspartic acid, which is acidic and polar, at codon 129 of the JPH2 protein (p.Tyr129Asp). This variant is present in population databases (rs777856415, gnomAD 0.001%). This variant has not been reported in the literature in individuals affected with JPH2-related conditions. ClinVar contains an entry for this variant (Variation ID: 201794). An algorithm developed to predict the effect of missense changes on protein structure and function (PolyPhen-2) suggests that this variant is likely to be disruptive. In summary, the available evidence is currently insufficient to determine the role of this variant in disease. Therefore, it has been classified as a Variant of Uncertain Significance.

GeneDx
Classification: Uncertain significance. Last evaluated: 2013-12-13. Review status: criteria provided, single submitter. Criteria: GeneDx Variant Classification (06012015). Collection method: clinical testing. Allele origin: germline. Affected: yes.
Comment: The Y129D variant in the JPH2 gene has not been reported as a disease-causing mutation or as a benign polymorphism to our knowledge. Y129D results in a semi-conservative amino acid substitution of neutral, polar Tyrosine to a negatively charged Aspartic acid at a position that is not conserved across species. In silico algorithms are not consistent in their predictions but at least two concur that Y129D is possibly damaging to the protein structure/function. No mutations in nearby residues have been reported in association with HCM, indicating this region of the protein may be tolerant of change. However, the Y129D variant was not observed in approximately 6000 individuals of European and African American ancestry in the NHLBI Exome Sequencing Project, indicating it is not a common benign variant in these populations. With the clinical and molecular information available at this time, we cannot definitively determine if Y129D is a disease-causing mutation or a rare benign variant. The pathogenic role for this variant would be further supported if it cosegregates with a cardiomyopathy phenotype. The variant is found in CARDIOMYOPATHY panel(s).